The following is an entry in ClinVar:

NM_003238.6(TGFB2):c.208A>G (p.Ile70Val)

Gene: TGFB2 (transforming growth factor beta 2; plus strand). Cytogenetic location: 1q41.
Variant type: single nucleotide variant.
Coding change: c.208A>G on transcript NM_003238.6 (MANE Select); coding-DNA position 208, A replaced by G.
Protein change: p.Ile70Val; replaces isoleucine 70 with valine.
Molecular consequence: missense variant. On other transcripts: non-coding transcript variant (2).
Genome position (GRCh38, 1-based): chr1:218,346,909, A>G. VCF-style: chr1-218346909-A-G. GRCh37 (hg19) VCF-style: chr1-218520251-A-G.
Other names: c.208A>G, p.Ile70Val (NM_001135599.4); short protein forms I70V.
Identifiers: ClinVar variation 1018917 (VCV001018917.7), dbSNP rs1656702743, ClinGen allele CA344725523.

ClinVar aggregate classification (germline): Uncertain significance (1 of 4 stars; one submission).

Conditions:
Loeys-Dietz syndrome 4 (LDS4). Also called: ANEURYSM, AORTIC AND CEREBRAL, WITH ARTERIAL TORTUOSITY AND SKELETAL MANIFESTATIONS; TGFB2-Related Loeys-Dietz Syndrome. Identifiers: MedGen C3553762, MONDO:0013897, OMIM 614816.

Allele frequency attached by ClinVar (database versions not stated): gnomAD exomes below 0.00001.
gnomAD v4.1: 2 of 1,614,214 alleles (0.00012%); highest among the groups gnomAD compares: Non-Finnish European, 0.00017%; no homozygotes.

Submission:

Labcorp Genetics (formerly Invitae), Labcorp
Classification: Uncertain significance for Loeys-Dietz syndrome 4. Last evaluated: 2021-08-13. Review status: criteria provided, single submitter. Criteria: Invitae Variant Classification Sherloc (09022015). Collection method: clinical testing. Allele origin: germline.
Comment: This sequence change replaces isoleucine with valine at codon 70 of the TGFB2 protein (p.Ile70Val). The isoleucine residue is highly conserved and there is a small physicochemical difference between isoleucine and valine. This variant is not present in population databases (ExAC no frequency). This missense change has been observed in individual(s) with clinical features of TGFB2-related conditions (Invitae). Algorithms developed to predict the effect of missense changes on protein structure and function (SIFT, PolyPhen-2, Align-GVGD) all suggest that this variant is likely to be tolerated. In summary, the available evidence is currently insufficient to determine the role of this variant in disease. Therefore, it has been classified as a Variant of Uncertain Significance.